The following is an entry in ClinVar:

ClinVar aggregate classification (germline): Pathogenic (1 of 4 stars; one submission).

Conditions:
Hyper-IgE recurrent infection syndrome 3, autosomal recessive. Also called: Autosomal recessive hyper-IgE syndrome due to ZNF341 deficiency; HYPER-IgE SYNDROME 3, AUTOSOMAL RECESSIVE, WITH RECURRENT INFECTIONS. Identifiers: Orphanet 641368, MedGen C4748969, MONDO:0032654, OMIM 618282.

Submission:

Labcorp Genetics (formerly Invitae), Labcorp
Classification: Pathogenic for Combined immunodeficiency due to DOCK8 deficiency. Last evaluated: 2022-04-06. Review status: criteria provided, single submitter. Criteria: Invitae Variant Classification Sherloc (09022015). Collection method: clinical testing. Allele origin: germline.
Comment: This variant is a gross deletion of the genomic region encompassing exon(s) 23-28 of the DOCK8 gene. This deletion is out-of-frame, and is expected to create a premature termination codon and result in an absent or disrupted protein product. Loss-of-function variants in DOCK8 are known to be pathogenic (PMID: 14722525, 19776401). This variant has not been reported in the literature in individuals affected with DOCK8-related conditions. For these reasons, this variant has been classified as Pathogenic.

Literature cited by the submitters: PubMed 14722525; PubMed 19776401.

NC_000009.11:g.(?_386311)_(407089_?)del

Gene: DOCK8 (dedicator of cytokinesis 8; plus strand). Cytogenetic location: 9p24.3.
Variant type: Deletion.
Identifiers: ClinVar variation 2427698 (VCV002427698.8).